The following is an entry in ClinVar:

ClinVar aggregate classification (germline): Likely benign (0 of 4 stars; one submission).

Conditions:
SPAG17-related disorder. Also called: SPAG17-related condition.

Allele frequency attached by ClinVar (database versions not stated): ExAC 0.00002; gnomAD exomes 0.00004; gnomAD 0.00005; TOPMed 0.00007.
gnomAD v4.1: 68 of 1,613,910 alleles (0.0042%); highest among the groups gnomAD compares: Non-Finnish European, 0.0054%; no homozygotes.

Submission:

PreventionGenetics, part of Exact Sciences
Classification: Likely benign for SPAG17-related condition. Last evaluated: 2019-07-16. Review status: no assertion criteria provided. Collection method: clinical testing. Allele origin: germline.
Comment: This variant is classified as likely benign based on ACMG/AMP sequence variant interpretation guidelines (Richards et al. 2015 PMID: 25741868, with internal and published modifications).

NM_206996.4(SPAG17):c.2166G>A (p.Glu722=)

Gene: SPAG17 (sperm associated antigen 17; minus strand). Cytogenetic location: 1p12.
Variant type: single nucleotide variant.
Coding change: c.2166G>A on transcript NM_206996.4 (MANE Select); coding-DNA position 2166, G replaced by A.
Protein change: p.Glu722=; no amino-acid change (glutamic acid 722 retained).
Molecular consequence: synonymous variant.
Genome position (GRCh38, 1-based): chr1:118,081,144, C>T on the plus strand (G>A on the coding strand, the complement: SPAG17 is on the minus strand). VCF-style: chr1-118081144-C-T. GRCh37 (hg19) VCF-style: chr1-118623767-C-T.
Identifiers: ClinVar variation 3050467 (VCV003050467.2), dbSNP rs745476940, ClinGen allele CA1034085.
Genomic context (GRCh38, chr1:118,081,144, plus strand): 5'-CACACACTTTAACTTACCCAGAGACTCATGTTGGGGCTGAGCCTTCATGATGCTCTCCTG[C>T]TCTAACAGCTGTCTATTATCAGGGACTGAGAGTTTGAGATTATTCAAGTCAGAATGCTTC-3'
Protein context (NP_996879.1, residues 712-732): LSVPDNRQLL[Glu722=]QESIMKAQPQ